The following is an entry in ClinVar:

NM_001382567.1(STIM1):c.1010C>G (p.Ser337Cys)

Gene: STIM1 (stromal interaction molecule 1; plus strand). Cytogenetic location: 11p15.4.
Variant type: single nucleotide variant.
Coding change: c.1010C>G on transcript NM_001382567.1 (MANE Select); coding-DNA position 1010, C replaced by G.
Protein change: p.Ser337Cys; replaces serine 337 with cysteine.
Molecular consequence: missense variant. On other transcripts: non-coding transcript variant (2).
Genome position (GRCh38, 1-based): chr11:4,082,224, C>G. VCF-style: chr11-4082224-C-G. GRCh37 (hg19) VCF-style: chr11-4103454-C-G.
Other names: c.530C>G, p.Ser177Cys (NM_001382571.1); c.788C>G, p.Ser263Cys (NM_001382573.1, NM_001382575.1, NM_001382576.1 and 4 more transcripts); c.521C>G, p.Ser174Cys (NM_001382580.1, NM_001382581.1); c.1010C>G, p.Ser337Cys (NM_003156.4, NM_001277961.3, NM_001277962.2 and 1 more transcripts); c.1010C>G (NM_003156.3); c.875C>G, p.Ser292Cys (NM_001382569.1); c.782C>G, p.Ser261Cys (NM_001382570.1); short protein forms S263C, S337C, S174C, S261C, S292C, S177C.
Identifiers: ClinVar variation 1408388 (VCV001408388.10), dbSNP rs1038392859, ClinGen allele CA216529136.

ClinVar aggregate classification (germline): Uncertain significance. Review status: criteria provided, multiple submitters, no conflicts (2 of 4 stars). 2 submissions from 2 submitters: Uncertain significance (2). Last evaluated 2025-06-20.

Conditions:
Combined immunodeficiency due to STIM1 deficiency. Also called: STIM1 DEFICIENCY; IMMUNODEFICIENCY 10. Identifiers: Orphanet 169090, Orphanet 317430, MedGen C2748557, MONDO:0013008, OMIM 612783.
Myopathy with tubular aggregates (TAM). Also called: Tubular Aggregate Myopathy. Identifiers: Orphanet 2593, MedGen C0410207, MONDO:0008051.
Stormorken syndrome (STRMK). Also called: THROMBOCYTOPATHY, ASPLENIA, AND MIOSIS. Identifiers: Orphanet 3204, MedGen C1861451, MONDO:0008497, OMIM 185070.
Inborn genetic diseases. Identifiers: MedGen C0950123, MeSH D030342.

Allele frequency attached by ClinVar (database versions not stated): TOPMed below 0.00001; gnomAD 0.00001.
gnomAD v4.1: 1 of 1,613,956 alleles (0.000062%); highest among the groups gnomAD compares: Non-Finnish European, 0.000085%; no homozygotes.

Submissions (2):

Labcorp Genetics (formerly Invitae), Labcorp
Classification: Uncertain significance for Myopathy with tubular aggregates; Combined immunodeficiency due to STIM1 deficiency; Stormorken syndrome. Last evaluated: 2025-06-20. Review status: criteria provided, single submitter. Criteria: Invitae Variant Classification Sherloc (09022015). Collection method: clinical testing. Allele origin: germline.
Comment: This sequence change replaces serine, which is neutral and polar, with cysteine, which is neutral and slightly polar, at codon 337 of the STIM1 protein (p.Ser337Cys). This variant is not present in population databases (gnomAD no frequency). This variant has not been reported in the literature in individuals affected with STIM1-related conditions. ClinVar contains an entry for this variant (Variation ID: 1408388). Invitae Evidence Modeling of protein sequence and biophysical properties (such as structural, functional, and spatial information, amino acid conservation, physicochemical variation, residue mobility, and thermodynamic stability) has been performed for this missense variant. However, the output from this modeling did not meet the statistical confidence thresholds required to predict the impact of this variant on STIM1 protein function. In summary, the available evidence is currently insufficient to determine the role of this variant in disease. Therefore, it has been classified as a Variant of Uncertain Significance.

Ambry Genetics
Classification: Uncertain significance for Inborn genetic diseases. Last evaluated: 2025-01-18. Review status: criteria provided, single submitter. Criteria: Ambry Variant Classification Scheme 2023. Collection method: clinical testing. Allele origin: germline.